The following is an entry in ClinVar:

NM_001042432.2(CLN3):c.671T>C (p.Leu224Pro)

Gene: CLN3 (CLN3 lysosomal/endosomal transmembrane protein, battenin; minus strand). Cytogenetic location: 16p12.1.
Variant type: single nucleotide variant.
Coding change: c.671T>C on transcript NM_001042432.2 (MANE Select); coding-DNA position 671, T replaced by C.
Protein change: p.Leu224Pro; replaces leucine 224 with proline.
Molecular consequence: missense variant.
Genome position (GRCh38, 1-based): chr16:28,486,353, A>G on the plus strand (T>C on the coding strand, the complement: CLN3 is on the minus strand). VCF-style: chr16-28486353-A-G. GRCh37 (hg19) VCF-style: chr16-28497674-A-G.
Other names: c.671T>C, p.Leu224Pro (NM_000086.2); c.599T>C, p.Leu200Pro (NM_001286104.2); c.371T>C, p.Leu124Pro (NM_001286105.2); c.437T>C, p.Leu146Pro (NM_001286109.2); c.509T>C, p.Leu170Pro (NM_001286110.2); short protein forms L224P, L146P, L170P, L200P, L124P.
Identifiers: ClinVar variation 1427483 (VCV001427483.8), dbSNP rs2046217325, ClinGen allele CA395345184.
Genomic context (GRCh38, chr16:28,486,353, plus strand): 5'-TGGCCAAGTTTTCTCTCCTTGGACCCCTCTCCCTCCCGGCTCAGGGCAGCTCACCTGGCC[A>G]GCAGCAGGGCAGGGATACCCAGCATGGACAGCAGGGTCTGCTGAGGGGAGAGGCCGGCCT-3'
Protein context (NP_001035897.1, residues 214-234): LSMLGIPALL[Leu224Pro]ASYFLLLTSP

ClinVar aggregate classification (germline): Uncertain significance (1 of 4 stars; one submission).

Conditions:
Neuronal ceroid lipofuscinosis. Also called: Neuronal Ceroid Lipofuscinoses. Identifiers: Orphanet 216, Orphanet 79263, MedGen C0027877, MONDO:0016295. Disease mechanism: loss of function.

gnomAD v4.1: 1 of 1,612,240 alleles (0.000062%); highest among the groups gnomAD compares: Middle Eastern, 0.021%; no homozygotes.

Submission:

Labcorp Genetics (formerly Invitae), Labcorp
Classification: Uncertain significance for Neuronal ceroid lipofuscinosis. Last evaluated: 2021-07-26. Review status: criteria provided, single submitter. Criteria: Invitae Variant Classification Sherloc (09022015). Collection method: clinical testing. Allele origin: germline.
Comment: In summary, the available evidence is currently insufficient to determine the role of this variant in disease. Therefore, it has been classified as a Variant of Uncertain Significance. Algorithms developed to predict the effect of missense changes on protein structure and function are either unavailable or do not agree on the potential impact of this missense change (SIFT: "Tolerated"; PolyPhen-2: "Probably Damaging"; Align-GVGD: "Class C0"). This variant has not been reported in the literature in individuals affected with CLN3-related conditions. This variant is not present in population databases (ExAC no frequency). This sequence change replaces leucine with proline at codon 224 of the CLN3 protein (p.Leu224Pro). The leucine residue is moderately conserved and there is a moderate physicochemical difference between leucine and proline.